The following is an entry in ClinVar:

ClinVar aggregate classification (germline): Pathogenic. Review status: criteria provided, multiple submitters, no conflicts (2 of 4 stars). 7 submissions from 7 submitters: Pathogenic (5). 2 of the submissions do not count toward it. Last evaluated 2025-11-10.

Conditions:
BRCA1-related disorder. Also called: BRCA1-related condition.
Hereditary cancer-predisposing syndrome. Also called: Tumor predisposition; Neoplastic Syndromes, Hereditary; Hereditary Cancer Syndrome; Hereditary neoplastic syndrome. Identifiers: Orphanet 140162, MedGen C0027672, MeSH D009386, MONDO:0015356.
Hereditary breast ovarian cancer syndrome. Also called: Hereditary breast and ovarian cancer syndrome (HBOC); Hereditary breast and ovarian cancer syndrome; Hereditary breast and ovarian cancer; Hereditary breast and/or ovarian cancer syndrome; Breast and ovarian cancer; BRCA1- and BRCA2-Associated Hereditary Breast and Ovarian Cancer. Identifiers: Orphanet 145, MedGen C0677776, MeSH D061325, MONDO:0003582. Disease mechanism: loss of function.
Breast-ovarian cancer, familial, susceptibility to, 1 (BROVCA1). Also called: OVARIAN CANCER, SUSCEPTIBILITY TO; BRCA1 Hereditary Breast and Ovarian Cancer. Identifiers: Orphanet 145, MedGen C2676676, MONDO:0011450, OMIM 604370. Disease mechanism: loss of function.
Malignant tumor of breast. Also called: Malignant breast neoplasm; Cancer breast. Identifiers: MedGen C0006142, MONDO:0007254. Disease mechanism: loss of function.

Submissions (7):

Color Diagnostics, LLC DBA Color Health
Classification: Pathogenic for Hereditary cancer-predisposing syndrome. Last evaluated: 2025-11-10. Review status: criteria provided, single submitter. Criteria: ACMG Guidelines, 2015. Collection method: clinical testing. Allele origin: germline.
Comment: This variant inserts 1 nucleotide in exon 10 of the BRCA1 gene, creating a frameshift and premature translation stop signal. This variant is also known as 1510insG in the literature. This variant also has been observed in cis with c.1387A>G (1506A>G) (PMID: 11933205). The two in cis variants, c.1387A>G and c.1390\\\\_1391insG, may be described together as 1506del4ins5 or c.1387\\\\_1390delinsGAAAG (ClinVar variation ID: 54234). This variant is expected to result in an absent or non-functional protein product. To our knowledge, functional studies have not been reported for this variant. This variant has been reported in at least five individuals affected with breast and ovarian cancer (PMID: 11933205, 17148771, 21324516Color internal data). This variant has not been identified in the general population by the Genome Aggregation Database (gnomAD). Loss of BRCA1 function is a known mechanism of disease. Based on the available evidence, this variant is classified as Pathogenic.

Labcorp Genetics (formerly Invitae), Labcorp
Classification: Pathogenic for Hereditary breast ovarian cancer syndrome. Last evaluated: 2025-06-11. Review status: criteria provided, single submitter. Criteria: Invitae Variant Classification Sherloc (09022015). Collection method: clinical testing. Allele origin: germline.
Comment: This sequence change creates a premature translational stop signal (p.Thr464Serfs*16) in the BRCA1 gene. It is expected to result in an absent or disrupted protein product. Loss-of-function variants in BRCA1 are known to be pathogenic (PMID: 20104584). This variant is not present in population databases (gnomAD no frequency). This premature translational stop signal has been observed in individual(s) with breast cancer and/or ovarian cancer (PMID: 11933205, 17148771). This variant is also known as 1510insG. ClinVar contains an entry for this variant (Variation ID: 54235). For these reasons, this variant has been classified as Pathogenic.

Myriad Genetics, Inc.
Classification: Pathogenic for Breast-ovarian cancer, familial, susceptibility to, 1. Last evaluated: 2023-02-23. Review status: criteria provided, single submitter. Criteria: Myriad Autosomal Dominant, Autosomal Recessive and X-Linked Classification Criteria (2023). Collection method: clinical testing. Allele origin: unknown.
Comment: This variant is considered pathogenic. This variant creates a frameshift predicted to result in premature protein truncation.

Blueprint Genetics
Classification: Pathogenic for BRCA1-related disorders. Last evaluated: 2022-02-18. Review status: criteria provided, single submitter. Criteria: ACMG Guidelines, 2015. Collection method: clinical testing. Allele origin: germline. Affected: yes. Observed: 3 variant alleles.

Department of Pathology and Molecular Medicine, Queen's University
Classification: Pathogenic for Hereditary breast ovarian cancer syndrome. Last evaluated: 2017-04-20. Review status: criteria provided, single submitter. Criteria: ACMG Guidelines, 2015. Collection method: clinical testing. Allele origin: germline. Study: The Canadian Open Genetics Repository (COGR).

Research Molecular Genetics Laboratory, Women's College Hospital, University of Toronto
Classification: Pathogenic for Hereditary breast ovarian cancer syndrome. Last evaluated: 2014-01-31. Review status: no assertion criteria provided. Collection method: research. Allele origin: germline. Affected: yes. Study: The Canadian Open Genetics Repository (COGR). Not counted in ClinVar's aggregate classification.

Department of Pathology and Laboratory Medicine, Sinai Health System
Classification: Pathogenic for Malignant tumor of breast. Review status: no assertion criteria provided. Collection method: clinical testing. Allele origin: unknown. Affected: yes. Study: The Canadian Open Genetics Repository (COGR). Not counted in ClinVar's aggregate classification.
Comment: The BRCA1 p.Thr464Serfs*16 variant was identified in 2 of 5026 proband chromosomes (frequency: 0.0004) from individuals or families with ovarian cancer (Risch 2006, Zhang 2011) and in two Canadian families of aboriginal descent both with the same BRCA1 alterations (1510insG, 1506A>G)( Liede 2002). The variant was also identified in dbSNP (ID: rs397508867) as "With Pathogenic allele", ClinVar (classified as pathogenic by COGR). The variant was not identified in LOVD 3.0 and UMD-LSDB. The variant was not identified in the following control databases: the Exome Aggregation Consortium (August 8th 2016), or the Genome Aggregation Database (Feb 27, 2017). The c.1390_1391insG variant is predicted to cause a frameshift, which alters the protein's amino acid sequence beginning at codon 464 and leads to a premature stop codon at position 479. This alteration is then predicted to result in a truncated or absent protein and loss of function. Loss of function variants of the BRCA1 gene are an established mechanism of disease in BRCA1 associated cancers and is the type of variant expected to cause the disorder. In summary, based on the above information this variant meets our laboratoryâ€šÃ„Ã´s criteria to be classified as pathogenic.

Literature cited by the submitters: PubMed 11933205 (cited by Color Diagnostics, LLC DBA Color Health and Labcorp Genetics (formerly Invitae), Labcorp); PubMed 17148771 (cited by Color Diagnostics, LLC DBA Color Health and Labcorp Genetics (formerly Invitae), Labcorp); PubMed 21324516 (cited by Color Diagnostics, LLC DBA Color Health); PubMed 20104584 (cited by Labcorp Genetics (formerly Invitae), Labcorp).

NM_007294.4(BRCA1):c.1390_1391insG (p.Thr464fs)

Gene: BRCA1 (BRCA1 DNA repair associated; minus strand). Cytogenetic location: 17q21.31.
Variant type: Insertion.
Coding change: c.1390_1391insG on transcript NM_007294.4 (MANE Select); coding-DNA positions 1390 to 1391, G inserted.
Protein change: p.Thr464fs; shifts the reading frame from threonine 464.
Molecular consequence: frameshift variant. On other transcripts: intron variant (137).
Genome position: GRCh38 VCF-style: chr17-43094140-G-GC. GRCh37 (hg19) VCF-style: chr17-41246157-G-GC.
Other names: c.784+603_784+604insG (NM_001408402.1, NM_001408473.1, NM_001408399.1 and 13 more transcripts); c.664+603_664+604insG (NM_001408443.1, NM_001408439.1, NM_001408425.1 and 12 more transcripts); c.670+1705_670+1706insG (NM_001408419.1, NM_001408422.1, NM_001408418.1 and 2 more transcripts); c.787+603_787+604insG (NM_001408403.1, NM_001407983.1, NM_001407975.1 and 19 more transcripts); c.790+600_790+601insG (NM_001408406.1); c.646+603_646+604insG (NM_001408456.1, NM_001408410.1, NM_001408458.1 and 11 more transcripts); c.643+603_643+604insG (NM_001408465.1, NM_001408463.1, NM_001408462.1 and 3 more transcripts); c.577+603_577+604insG (NM_001408482.1, NM_001408484.1, NM_001408478.1 and 9 more transcripts); and 40 more; short protein forms T417fs, T464fs, T168fs, T337fs, T393fs, T397fs, T416fs, T437fs.
Identifiers: ClinVar variation 54235 (VCV000054235.14), dbSNP rs397508867, ClinGen allele CA000928.